The following is an entry in ClinVar:

NM_001288705.3(CSF1R):c.1703A>G (p.Gln568Arg)

Gene: CSF1R (colony stimulating factor 1 receptor; minus strand). Cytogenetic location: 5q32.
Variant type: single nucleotide variant.
Coding change: c.1703A>G on transcript NM_001288705.3 (MANE Select); coding-DNA position 1703, A replaced by G.
Protein change: p.Gln568Arg; replaces glutamine 568 with arginine.
Molecular consequence: missense variant. On other transcripts: non-coding transcript variant (2).
Genome position (GRCh38, 1-based): chr5:150,061,773, T>C on the plus strand (A>G on the coding strand, the complement: CSF1R is on the minus strand). VCF-style: chr5-150061773-T-C. GRCh37 (hg19) VCF-style: chr5-149441336-T-C.
Other names: c.1703A>G, p.Gln568Arg (NM_001349736.2, NM_001375320.1, NM_005211.4); c.1259A>G, p.Gln420Arg (NM_001375321.1); short protein forms Q420R, Q568R.
Identifiers: ClinVar variation 3684180 (VCV003684180.2).

ClinVar aggregate classification (germline): Uncertain significance (1 of 4 stars; one submission).

gnomAD v4.1: 1 of 1,614,226 alleles (0.000062%); highest among the groups gnomAD compares: Non-Finnish European, 0.000085%; no homozygotes.

Submission:

Labcorp Genetics (formerly Invitae), Labcorp
Classification: Uncertain significance. Last evaluated: 2024-04-24. Review status: criteria provided, single submitter. Criteria: Invitae Variant Classification Sherloc (09022015). Collection method: clinical testing. Allele origin: germline.
Comment: This sequence change replaces glutamine, which is neutral and polar, with arginine, which is basic and polar, at codon 568 of the CSF1R protein (p.Gln568Arg). This variant is not present in population databases (gnomAD no frequency). This variant has not been reported in the literature in individuals affected with CSF1R-related conditions. Advanced modeling of protein sequence and biophysical properties (such as structural, functional, and spatial information, amino acid conservation, physicochemical variation, residue mobility, and thermodynamic stability) performed at Invitae indicates that this missense variant is not expected to disrupt CSF1R protein function with a negative predictive value of 95%. In summary, the available evidence is currently insufficient to determine the role of this variant in disease. Therefore, it has been classified as a Variant of Uncertain Significance.